The following is an entry in ClinVar:

NM_001005373.4(LRSAM1):c.1726G>A (p.Ala576Thr)

Gene: LRSAM1 (leucine rich repeat and sterile alpha motif containing 1; plus strand). Cytogenetic location: 9q33.3.
Variant type: single nucleotide variant.
Coding change: c.1726G>A on transcript NM_001005373.4 (MANE Select); coding-DNA position 1726, G replaced by A.
Protein change: p.Ala576Thr; replaces alanine 576 with threonine.
Molecular consequence: missense variant. On other transcripts: non-coding transcript variant (2).
Genome position (GRCh38, 1-based): chr9:127,495,991, G>A. VCF-style: chr9-127495991-G-A. GRCh37 (hg19) VCF-style: chr9-130258270-G-A.
Other names: c.1726G>A, p.Ala576Thr (NM_001005374.4, NM_001384142.1, NM_138361.5); c.1645G>A, p.Ala549Thr (NM_001190723.3); c.1627G>A, p.Ala543Thr (NM_001384143.1); c.937G>A, p.Ala313Thr (NM_001384144.1); short protein forms A576T, A313T, A543T, A549T.
Identifiers: ClinVar variation 4743868 (VCV004743868.1).
Genomic context (GRCh38, chr9:127,495,991, plus strand): 5'-TTCCTGCTCATGGTACACGTTTCTGTCTTGCAGGAAGAGGGGATGGAGCGCCAGCTGGTG[G>A]CCCTCCTGGAGGAGCTGTCGGCTGAGCACTACCTGCCCATCTTTGCGCACCACCGCCTCT-3'
Protein context (NP_001005373.1, residues 566-586): QEEGMERQLV[Ala576Thr]LLEELSAEHY

ClinVar aggregate classification (germline): Uncertain significance (1 of 4 stars; one submission).

Conditions:
Charcot-Marie-Tooth disease axonal type 2P. Also called: CHARCOT-MARIE-TOOTH NEUROPATHY, TYPE 2P; CHARCOT-MARIE-TOOTH DISEASE, AXONAL, TYPE 2G; CMT 2G; Charcot-Marie-Tooth Neuropathy Type 2G. Identifiers: Orphanet 300319, Orphanet 99941, MedGen C3280797, MONDO:0013753, OMIM 614436.

Submission:

Labcorp Genetics (formerly Invitae), Labcorp
Classification: Uncertain significance for Charcot-Marie-Tooth disease axonal type 2P. Last evaluated: 2025-09-21. Review status: criteria provided, single submitter. Criteria: Invitae Variant Classification Sherloc (09022015). Collection method: clinical testing. Allele origin: germline.
Comment: This sequence change replaces alanine, which is neutral and non-polar, with threonine, which is neutral and polar, at codon 576 of the LRSAM1 protein (p.Ala576Thr). This variant is not present in population databases (gnomAD no frequency). This variant has not been reported in the literature in individuals affected with LRSAM1-related conditions. Invitae Evidence Modeling of protein sequence and biophysical properties (such as structural, functional, and spatial information, amino acid conservation, physicochemical variation, residue mobility, and thermodynamic stability) indicates that this missense variant is not expected to disrupt LRSAM1 protein function with a negative predictive value of 80%. In summary, the available evidence is currently insufficient to determine the role of this variant in disease. Therefore, it has been classified as a Variant of Uncertain Significance.